The following is an entry in ClinVar:

ClinVar aggregate classification (germline): Uncertain significance (1 of 4 stars; one submission).

Conditions:
Meckel-Gruber syndrome. Also called: DYSENCEPHALIA SPLANCHNOCYSTICA; GRUBER SYNDROME; Dysencephalia splachnocystica. Identifiers: Orphanet 564, MedGen C0265215, MONDO:0018921.
Joubert syndrome. Also called: CEREBELLOPARENCHYMAL DISORDER IV; JOUBERT-BOLTSHAUSER SYNDROME; Familial aplasia of the vermis. Identifiers: Orphanet 475, MedGen C5979921, MONDO:0018772.

Allele frequency attached by ClinVar (database versions not stated): gnomAD exomes below 0.00001; gnomAD 0.00001; TOPMed 0.00004.
gnomAD v4.1: 2 of 1,612,644 alleles (0.00012%); highest among the groups gnomAD compares: African/African-American, 0.0027%; no homozygotes.

Submission:

Labcorp Genetics (formerly Invitae), Labcorp
Classification: Uncertain significance for Joubert syndrome; Meckel-Gruber syndrome. Last evaluated: 2024-02-24. Review status: criteria provided, single submitter. Criteria: Invitae Variant Classification Sherloc (09022015). Collection method: clinical testing. Allele origin: germline.
Comment: This sequence change replaces valine, which is neutral and non-polar, with isoleucine, which is neutral and non-polar, at codon 90 of the MKS1 protein (p.Val90Ile). This variant is not present in population databases (gnomAD no frequency). This variant has not been reported in the literature in individuals affected with MKS1-related conditions. ClinVar contains an entry for this variant (Variation ID: 837267). Advanced modeling of protein sequence and biophysical properties (such as structural, functional, and spatial information, amino acid conservation, physicochemical variation, residue mobility, and thermodynamic stability) performed at Invitae indicates that this missense variant is not expected to disrupt MKS1 protein function with a negative predictive value of 80%. In summary, the available evidence is currently insufficient to determine the role of this variant in disease. Therefore, it has been classified as a Variant of Uncertain Significance.

NM_017777.4(MKS1):c.268G>A (p.Val90Ile)

Gene: MKS1 (MKS transition zone complex subunit 1; minus strand). Cytogenetic location: 17q22.
Variant type: single nucleotide variant.
Coding change: c.268G>A on transcript NM_017777.4 (MANE Select); coding-DNA position 268, G replaced by A.
Protein change: p.Val90Ile; replaces valine 90 with isoleucine.
Molecular consequence: missense variant. On other transcripts: 5 prime UTR variant (1).
Genome position (GRCh38, 1-based): chr17:58,216,237, C>T on the plus strand (G>A on the coding strand, the complement: MKS1 is on the minus strand). VCF-style: chr17-58216237-C-T. GRCh37 (hg19) VCF-style: chr17-56293598-C-T.
Other names: c.-244G>A (NM_001321268.2); c.268G>A, p.Val90Ile (NM_001321269.2, NM_001330397.2); short protein forms V90I.
Identifiers: ClinVar variation 837267 (VCV000837267.10), dbSNP rs1235520151, ClinGen allele CA400327655.